The following is an entry in ClinVar:

ClinVar aggregate classification (germline): Conflicting classifications of pathogenicity. Review status: criteria provided, conflicting classifications (1 of 4 stars). 4 submissions from 4 submitters: Uncertain significance (1); Likely benign (2). 1 of the submissions does not count toward it. Last evaluated 2025-12-16.

Conditions:
RAD50-related disorder. Also called: RAD50-related condition.
Hereditary cancer-predisposing syndrome. Also called: Hereditary neoplastic syndrome; Tumor predisposition; Hereditary Cancer Syndrome; Neoplastic Syndromes, Hereditary. Identifiers: Orphanet 140162, MedGen C0027672, MeSH D009386, MONDO:0015356.
Nijmegen breakage syndrome-like disorder (NBSLD). Also called: MICROCEPHALY AND SPONTANEOUS CHROMOSOME INSTABILITY WITHOUT IMMUNODEFICIENCY; NBS-LIKE DISORDER; RAD50 DEFICIENCY. Identifiers: Orphanet 240760, MedGen C2751318, MONDO:0013118, OMIM 613078.

Allele frequency attached by ClinVar (database versions not stated): gnomAD 0.00001; gnomAD exomes 0.00001 and 0.00008; TOPMed 0.00003; ExAC 0.00008.
gnomAD v4.1: 20 of 1,613,184 alleles (0.0012%); highest among the groups gnomAD compares: East Asian, 0.042%; no homozygotes.

Submissions (4):

Labcorp Genetics (formerly Invitae), Labcorp
Classification: Likely benign for Hereditary cancer-predisposing syndrome. Last evaluated: 2025-12-16. Review status: criteria provided, single submitter. Criteria: Invitae Variant Classification Sherloc (09022015). Collection method: clinical testing. Allele origin: germline.

Sema4
Classification: Uncertain significance for Nijmegen breakage syndrome-like disorder. Last evaluated: 2021-10-28. Review status: criteria provided, single submitter. Criteria: Sema4 Curation Guidelines. Collection method: curation. Allele origin: germline.
Comment: The RAD50 c.915T>C (p.N305=) variant has not been reported in the literature to our knowledge. This variant was observed in 20/18386 chromosomes in the East Asian subpopulation, including no homozygotes, in the large and broad cohorts of the Genome Aggregation Database (PMID: 32461654). This variant has been reported in ClinVar (Variation ID: 219495). The evidence is insufficient to meet ACMG/AMP criteria for classifying the variant as benign or pathogenic. Thus, the clinical significance of this variant is currently uncertain.

Ambry Genetics
Classification: Likely benign for Hereditary cancer-predisposing syndrome. Last evaluated: 2015-06-06. Review status: criteria provided, single submitter. Criteria: Ambry Variant Classification Scheme 2023. Collection method: clinical testing. Allele origin: germline.

PreventionGenetics, part of Exact Sciences
Classification: Likely benign for RAD50-related condition. Last evaluated: 2023-09-08. Review status: no assertion criteria provided. Collection method: clinical testing. Allele origin: germline. Not counted in ClinVar's aggregate classification.
Comment: This variant is classified as likely benign based on ACMG/AMP sequence variant interpretation guidelines (Richards et al. 2015 PMID: 25741868, with internal and published modifications).

NM_005732.4(RAD50):c.915T>C (p.Asn305=)

Gene: RAD50 (RAD50 double strand break repair protein; plus strand). Cytogenetic location: 5q31.1.
Variant type: single nucleotide variant.
Coding change: c.915T>C on transcript NM_005732.4 (MANE Select); coding-DNA position 915, T replaced by C.
Protein change: p.Asn305=; no amino-acid change (asparagine 305 retained).
Molecular consequence: synonymous variant.
Genome position (GRCh38, 1-based): chr5:132,587,953, T>C. VCF-style: chr5-132587953-T-C. GRCh37 (hg19) VCF-style: chr5-131923645-T-C.
Identifiers: ClinVar variation 219495 (VCV000219495.19), dbSNP rs759379314, ClinGen allele CA350857.
Genomic context (GRCh38, chr5:132,587,953, plus strand): 5'-CATTAAAGCTTTTTATTTTGGTGTTACACAGGTTTTTCAAGGGACTGATGAGCAACTAAA[T>C]GACTTATATCACAATCACCAGAGAACAGTAAGGGAGAAAGAAAGGAAATTGGTAGACTGT-3'
Protein context (NP_005723.2, residues 295-315): KVFQGTDEQL[Asn305=]DLYHNHQRTV